The following is an entry in ClinVar:

ClinVar aggregate classification (germline): Uncertain significance (1 of 4 stars; one submission).

Conditions:
Very long chain acyl-CoA dehydrogenase deficiency (ACADVLD). Also called: Very Long-Chain Acyl-Coenzyme A Dehydrogenase Deficiency; VLCAD Deficiency. Identifiers: Orphanet 26793, MedGen C3887523, MONDO:0008723, OMIM 201475.

Submission:

Labcorp Genetics (formerly Invitae), Labcorp
Classification: Uncertain significance for Very long chain acyl-CoA dehydrogenase deficiency. Last evaluated: 2021-10-12. Review status: criteria provided, single submitter. Criteria: Invitae Variant Classification Sherloc (09022015). Collection method: clinical testing. Allele origin: germline.
Comment: In summary, the available evidence is currently insufficient to determine the role of this variant in disease. Therefore, it has been classified as a Variant of Uncertain Significance. Algorithms developed to predict the effect of missense changes on protein structure and function (SIFT, PolyPhen-2, Align-GVGD) all suggest that this variant is likely to be disruptive. This variant has not been reported in the literature in individuals affected with ACADVL-related conditions. This variant is not present in population databases (ExAC no frequency). This sequence change replaces isoleucine with asparagine at codon 467 of the ACADVL protein (p.Ile467Asn). The isoleucine residue is highly conserved and there is a large physicochemical difference between isoleucine and asparagine.

NM_000018.4(ACADVL):c.1400T>A (p.Ile467Asn)

Gene: ACADVL (acyl-CoA dehydrogenase very long chain; plus strand). Cytogenetic location: 17p13.1.
Variant type: single nucleotide variant.
Coding change: c.1400T>A on transcript NM_000018.4 (MANE Select); coding-DNA position 1400, T replaced by A.
Protein change: p.Ile467Asn; replaces isoleucine 467 with asparagine.
Molecular consequence: missense variant.
Genome position (GRCh38, 1-based): chr17:7,224,035, T>A. VCF-style: chr17-7224035-T-A. GRCh37 (hg19) VCF-style: chr17-7127354-T-A.
Other names: c.1334T>A, p.Ile445Asn (NM_001033859.3); c.1469T>A, p.Ile490Asn (NM_001270447.2); c.1172T>A, p.Ile391Asn (NM_001270448.2); short protein forms I445N, I467N, I391N, I490N.
Identifiers: ClinVar variation 1362366 (VCV001362366.6), dbSNP rs2142986109, ClinGen allele CA397725038.